The following is an entry in ClinVar:

NC_000013.10:g.(?_32920944)_(32972907_?)dup

Gene: BRCA2 (BRCA2 DNA repair associated; plus strand). Cytogenetic location: 13q13.1.
Variant type: Duplication.
Identifiers: ClinVar variation 1371993 (VCV001371993.7).

ClinVar aggregate classification (germline): Uncertain significance (1 of 4 stars; one submission).

Conditions:
Hereditary breast ovarian cancer syndrome. Also called: BRCA1- and BRCA2-Associated Hereditary Breast and Ovarian Cancer; Hereditary breast and ovarian cancer; Hereditary breast and ovarian cancer syndrome; Hereditary breast and/or ovarian cancer syndrome; Hereditary breast and ovarian cancer syndrome (HBOC); Breast and ovarian cancer. Identifiers: Orphanet 145, MedGen C0677776, MeSH D061325, MONDO:0003582. Disease mechanism: loss of function.

Submission:

Labcorp Genetics (formerly Invitae), Labcorp
Classification: Uncertain significance for Hereditary breast ovarian cancer syndrome. Last evaluated: 2022-10-21. Review status: criteria provided, single submitter. Criteria: Invitae Variant Classification Sherloc (09022015). Collection method: clinical testing. Allele origin: germline.
Comment: In summary, the available evidence is currently insufficient to determine the role of this variant in disease. Therefore, it has been classified as a Variant of Uncertain Significance. Experimental studies and prediction algorithms are not available or were not evaluated, and the functional significance of this variant is currently unknown. This variant has not been reported in the literature in individuals affected with BRCA2-related conditions. This variant results in a copy number gain of the genomic region encompassing exon(s) 13-27 of the BRCA2 gene. This region includes the termination codon of the gene. This copy number gain extends beyond the assayed region for this gene and therefore may encompass additional genes. As the precise location of this event is unknown, it may be in tandem or it may be located elsewhere in the genome.